The following is an entry in ClinVar:

NM_001220.5(CAMK2B):c.1595C>T (p.Pro532Leu)

Gene: CAMK2B (calcium/calmodulin dependent protein kinase II beta; minus strand). Cytogenetic location: 7p13.
Variant type: single nucleotide variant.
Coding change: c.1595C>T on transcript NM_001220.5 (MANE Select); coding-DNA position 1595, C replaced by T.
Protein change: p.Pro532Leu; replaces proline 532 with leucine.
Molecular consequence: missense variant. On other transcripts: intron variant (8).
Genome position (GRCh38, 1-based): chr7:44,226,518, G>A on the plus strand (C>T on the coding strand, the complement: CAMK2B is on the minus strand). VCF-style: chr7-44226518-G-A. GRCh37 (hg19) VCF-style: chr7-44266117-G-A.
Other names: c.947-5617C>T (NM_172084.3); c.1150+4488C>T (NM_172080.3); c.1036+4488C>T (NM_172083.3); c.1108+4488C>T (NM_172081.3); c.1153+4488C>T (NM_172079.3, NM_172082.3); c.1225+4488C>T (NM_001293170.2, NM_172078.3); short protein forms P532L.
Identifiers: ClinVar variation 1938646 (VCV001938646.5), dbSNP rs1312414736, ClinGen allele CA367371345.

ClinVar aggregate classification (germline): Uncertain significance (1 of 4 stars; one submission).

Allele frequency attached by ClinVar (database versions not stated): gnomAD exomes below 0.00001; gnomAD 0.00001; TOPMed 0.00002.
gnomAD v4.1: 2 of 1,439,198 alleles (0.00014%); highest among the groups gnomAD compares: African/African-American, 0.003%; no homozygotes.

Submission:

Labcorp Genetics (formerly Invitae), Labcorp
Classification: Uncertain significance. Last evaluated: 2022-05-25. Review status: criteria provided, single submitter. Criteria: Invitae Variant Classification Sherloc (09022015). Collection method: clinical testing. Allele origin: germline.
Comment: This sequence change replaces proline, which is neutral and non-polar, with leucine, which is neutral and non-polar, at codon 532 of the CAMK2B protein (p.Pro532Leu). In summary, the available evidence is currently insufficient to determine the role of this variant in disease. Therefore, it has been classified as a Variant of Uncertain Significance. Algorithms developed to predict the effect of missense changes on protein structure and function output the following: SIFT: "Deleterious"; PolyPhen-2: "Benign"; Align-GVGD: "Class C65". The leucine amino acid residue is found in multiple mammalian species, which suggests that this missense change does not adversely affect protein function. This variant has not been reported in the literature in individuals affected with CAMK2B-related conditions. This variant is not present in population databases (gnomAD no frequency).